The following is an entry in ClinVar:

ClinVar aggregate classification (germline): Uncertain significance (1 of 4 stars; one submission).

Conditions:
Cardiovascular phenotype. Identifiers: MedGen CN230736.

Submission:

Ambry Genetics
Classification: Uncertain significance for Cardiovascular phenotype. Last evaluated: 2022-09-26. Review status: criteria provided, single submitter. Criteria: Ambry Variant Classification Scheme 2023. Collection method: clinical testing. Allele origin: germline.
Comment: The p.K317R variant (also known as c.950A>G), located in coding exon 9 of the PTPN11 gene, results from an A to G substitution at nucleotide position 950. The lysine at codon 317 is replaced by arginine, an amino acid with highly similar properties. This amino acid position is conserved. In addition, the in silico prediction for this alteration is inconclusive. Since supporting evidence is limited at this time, the clinical significance of this alteration remains unclear.

NM_002834.5(PTPN11):c.950A>G (p.Lys317Arg)

Gene: PTPN11 (protein tyrosine phosphatase non-receptor type 11; plus strand). Cytogenetic location: 12q24.13.
Variant type: single nucleotide variant.
Coding change: c.950A>G on transcript NM_002834.5 (MANE Select); coding-DNA position 950, A replaced by G.
Protein change: p.Lys317Arg; replaces lysine 317 with arginine.
Molecular consequence: missense variant.
Genome position (GRCh38, 1-based): chr12:112,477,873, A>G. VCF-style: chr12-112477873-A-G. GRCh37 (hg19) VCF-style: chr12-112915677-A-G.
Other names: c.950A>G, p.Lys317Arg (NM_001330437.2, NM_080601.3); c.947A>G, p.Lys316Arg (NM_001374625.1); short protein forms K316R, K317R.
Identifiers: ClinVar variation 1767207 (VCV001767207.2), dbSNP rs2540452181, ClinGen allele CA386791068.
Genomic context (GRCh38, chr12:112,477,873, plus strand): 5'-AGTAACTTTAAGGTGTTTGAAGGATTTTCTTCCTAAATTTCTAGCCTGAATTTGAAACCA[A>G]GTGCAACAATTCAAAGCCCAAAAAGAGTTACATTGCCACACAAGGCTGCCTGCAAAACAC-3'
Protein context (NP_002825.3, residues 307-327): ANIIMPEFET[Lys317Arg]CNNSKPKKSY